The following is an entry in ClinVar:

ClinVar aggregate classification (germline): Pathogenic. Review status: criteria provided, multiple submitters, no conflicts (2 of 4 stars). 2 submissions from 2 submitters: Pathogenic (2). Last evaluated 2025-12-16.

Conditions:
Congenital microcephaly - severe encephalopathy - progressive cerebral atrophy syndrome. Also called: ASNS DEFICIENCY; Asparagine synthetase deficiency. Identifiers: Orphanet 391376, MedGen C3809971, MONDO:0014258, OMIM 615574.

Submissions (2):

Labcorp Genetics (formerly Invitae), Labcorp
Classification: Pathogenic. Last evaluated: 2025-12-16. Review status: criteria provided, single submitter. Criteria: Invitae Variant Classification Sherloc (09022015). Collection method: clinical testing. Allele origin: germline.
Comment: This sequence change creates a premature translational stop signal (p.Thr150Lysfs*18) in the ASNS gene. It is expected to result in an absent or disrupted protein product. Loss-of-function variants in ASNS are known to be pathogenic (PMID: 27422383, 30057589). This variant is not present in population databases (gnomAD no frequency). This variant has not been reported in the literature in individuals affected with ASNS-related conditions. ClinVar contains an entry for this variant (Variation ID: 2134487). For these reasons, this variant has been classified as Pathogenic.

Myriad Genetics, Inc.
Classification: Pathogenic for Congenital microcephaly - severe encephalopathy - progressive cerebral atrophy syndrome. Last evaluated: 2024-01-26. Review status: criteria provided, single submitter. Criteria: Myriad Autosomal Dominant, Autosomal Recessive and X-Linked Classification Criteria (2023). Collection method: clinical testing. Allele origin: unknown.
Comment: NM_001673.4(ASNS):c.449delC(T150Kfs*18) is expected to be pathogenic in the context of asparagine synthetase deficiency. This variant is predicted to lead to an abnormal or absent protein product due to the creation of a premature termination codon in ASNS, a gene where loss-of-function variants are known to be pathogenic. Please note: this variant was assessed in the context of healthy population screening.

Literature cited by the submitters: PubMed 27422383 (cited by Labcorp Genetics (formerly Invitae), Labcorp); PubMed 30057589 (cited by Labcorp Genetics (formerly Invitae), Labcorp).

NM_001673.5(ASNS):c.449del (p.Thr150fs)

Genes: ASNS (asparagine synthetase (glutamine-hydrolyzing); minus strand), CZ1P-ASNS (CZ1P-ASNS readthrough; minus strand). Cytogenetic location: 7q21.3.
Variant type: Deletion.
Coding change: c.449del on transcript NM_001673.5 (MANE Select); coding-DNA position 449, one base deleted (C; older notation c.449delC).
Protein change: p.Thr150fs; shifts the reading frame from threonine 150.
Molecular consequence: frameshift variant. On other transcripts: non-coding transcript variant (1).
Genome position (GRCh38, 1-based): chr7:97,864,297, G deleted on the plus strand (C on the coding strand, the reverse complement: ASNS is on the minus strand). VCF-style (leftmost placement, unchanged base first): chr7-97864296-TG-T. GRCh37 (hg19) VCF-style: chr7-97493608-TG-T.
Other names: c.386del, p.Thr129fs (NM_001178075.2); c.200del, p.Thr67fs (NM_001178076.2, NM_001178077.1); c.449del, p.Thr150fs (NM_001352496.2, NM_133436.3, NM_183356.4); short protein forms T67fs, T129fs, T150fs.
Identifiers: ClinVar variation 2134487 (VCV002134487.5), dbSNP rs2484681925, ClinGen allele CA2580077946.